The following is an entry in ClinVar:

NM_001563.4(IMPG1):c.1339G>A (p.Ala447Thr)

Gene: IMPG1 (interphotoreceptor matrix proteoglycan 1; minus strand). Cytogenetic location: 6q14.1.
Variant type: single nucleotide variant.
Coding change: c.1339G>A on transcript NM_001563.4 (MANE Select); coding-DNA position 1339, G replaced by A.
Protein change: p.Ala447Thr; replaces alanine 447 with threonine.
Molecular consequence: missense variant.
Genome position (GRCh38, 1-based): chr6:75,951,047, C>T on the plus strand (G>A on the coding strand, the complement: IMPG1 is on the minus strand). VCF-style: chr6-75951047-C-T. GRCh37 (hg19) VCF-style: chr6-76660764-C-T.
Other names: c.1105G>A, p.Ala369Thr (NM_001282368.2); short protein forms A447T, A369T.
Identifiers: ClinVar variation 2771814 (VCV002771814.3), dbSNP rs2535898267, ClinGen allele CA364778175.

ClinVar aggregate classification (germline): Uncertain significance (1 of 4 stars; one submission).

gnomAD v4.1: 1 of 1,613,574 alleles (0.000062%); highest among the groups gnomAD compares: Non-Finnish European, 0.000085%; no homozygotes.

Submission:

Labcorp Genetics (formerly Invitae), Labcorp
Classification: Uncertain significance. Last evaluated: 2023-07-21. Review status: criteria provided, single submitter. Criteria: Invitae Variant Classification Sherloc (09022015). Collection method: clinical testing. Allele origin: germline.
Comment: Algorithms developed to predict the effect of missense changes on protein structure and function output the following: SIFT: "Not Available"; PolyPhen-2: "Benign"; Align-GVGD: "Not Available". The threonine amino acid residue is found in multiple mammalian species, which suggests that this missense change does not adversely affect protein function. In summary, the available evidence is currently insufficient to determine the role of this variant in disease. Therefore, it has been classified as a Variant of Uncertain Significance. This variant has not been reported in the literature in individuals affected with IMPG1-related conditions. This sequence change replaces alanine, which is neutral and non-polar, with threonine, which is neutral and polar, at codon 447 of the IMPG1 protein (p.Ala447Thr). This variant is not present in population databases (gnomAD no frequency).